The following is an entry in ClinVar:

ClinVar aggregate classification (germline): Pathogenic/Likely pathogenic. Review status: criteria provided, multiple submitters, no conflicts (2 of 4 stars). 4 submissions from 4 submitters: Pathogenic (1); Likely pathogenic (3). Last evaluated 2025-01-08.

Conditions:
Multiple acyl-CoA dehydrogenase deficiency (MADD). Also called: ETHYLMALONIC-ADIPICACIDURIA; Glutaric aciduria, type 2; GA II; Glutaric Acidemia type 2; Glutaric acidemia type II; GA 2. Identifiers: Orphanet 26791, MedGen C0268596, MONDO:0009282, OMIM 231680.
Glutaric acidemia type 2A.

Submissions (4):

Natera, Inc.
Classification: Likely pathogenic for Glutaric acidemia type 2A. Last evaluated: 2025-01-08. Review status: criteria provided, single submitter. Criteria: Natera Variant Classification Schema (03/2026). Collection method: clinical testing. Allele origin: germline.
Comment: The c.319_322delCACA variant in ETFA is a frameshift variant predicted to shift the reading frame beginning at codon 107 and leads to a stop codon 16 codons downstream. This variant is expected to result in nonsense mediated decay, truncation, or a dysfunctional protein product. This variant is rare in the general population with a frequency below the threshold expected for the associated phenotype(s). Given the available evidence, this variant is classified as Likely Pathogenic.

Baylor Genetics
Classification: Likely pathogenic for Multiple acyl-CoA dehydrogenase deficiency. Last evaluated: 2024-03-23. Review status: criteria provided, single submitter. Criteria: ACMG Guidelines, 2015. Collection method: clinical testing. Allele origin: unknown.

Labcorp Genetics (formerly Invitae), Labcorp
Classification: Pathogenic for Multiple acyl-CoA dehydrogenase deficiency. Last evaluated: 2024-02-11. Review status: criteria provided, single submitter. Criteria: Invitae Variant Classification Sherloc (09022015). Collection method: clinical testing. Allele origin: germline.
Comment: This sequence change creates a premature translational stop signal (p.His107Serfs*16) in the ETFA gene. It is expected to result in an absent or disrupted protein product. Loss-of-function variants in ETFA are known to be pathogenic (PMID: 16510302, 23785301). This variant is present in population databases (no rsID available, gnomAD 0.0009%). This variant has not been reported in the literature in individuals affected with ETFA-related conditions. For these reasons, this variant has been classified as Pathogenic.

Revvity Omics, Revvity
Classification: Likely pathogenic for Multiple acyl-CoA dehydrogenase deficiency. Last evaluated: 2021-06-18. Review status: criteria provided, single submitter. Criteria: ACMG Guidelines, 2015. Collection method: clinical testing. Allele origin: germline.

Literature cited by the submitters: PubMed 16510302 (cited by Labcorp Genetics (formerly Invitae), Labcorp); PubMed 23785301 (cited by Labcorp Genetics (formerly Invitae), Labcorp).

NM_000126.4(ETFA):c.319_322del (p.His107fs)

Gene: ETFA (electron transfer flavoprotein subunit alpha; minus strand). Cytogenetic location: 15q24.2.
Variant type: Microsatellite.
Coding change: c.319_322del on transcript NM_000126.4 (MANE Select); coding-DNA positions 319 to 322, 4 bases deleted (CACA; older notation c.319_322delCACA).
Protein change: p.His107fs; shifts the reading frame from histidine 107.
Molecular consequence: frameshift variant.
Genome position (GRCh38, 1-based): chr15:76,292,460-76,292,463, TGTG deleted on the plus strand (CACA on the coding strand, the reverse complement: ETFA is on the minus strand); deleting any 4 consecutive bases within chr15:76,292,460-76,292,468 gives the same sequence; the c. name uses the placement nearest the transcript's 3' end. VCF-style (leftmost placement, unchanged base first): chr15-76292459-ATGTG-A. GRCh37 (hg19) VCF-style: chr15-76584800-ATGTG-A.
Other names: c.319_322delCACA (NM_000126.3); c.172_175del, p.His58fs (NM_001127716.2); short protein forms H107fs, H58fs.
Identifiers: ClinVar variation 1324349 (VCV001324349.12), dbSNP rs866218814, ClinGen allele CA273699429.